The following is an entry in ClinVar:

ClinVar aggregate classification (germline): Uncertain significance. Review status: criteria provided, multiple submitters, no conflicts (2 of 4 stars). 3 submissions from 3 submitters: Uncertain significance (3). Last evaluated 2025-09-13.

Conditions:
Congenital myasthenic syndrome 5. Identifiers: Orphanet 590, MedGen C1864233, MONDO:0011281, OMIM 603034.

Allele frequency attached by ClinVar (database versions not stated): TOPMed 0.00001; gnomAD 0.00002.
gnomAD v4.1: 3 of 1,613,996 alleles (0.00019%); highest among the groups gnomAD compares: African/African-American, 0.0027%; no homozygotes.

Submissions (3):

Labcorp Genetics (formerly Invitae), Labcorp
Classification: Uncertain significance for Congenital myasthenic syndrome 5. Last evaluated: 2025-09-13. Review status: criteria provided, single submitter. Criteria: Invitae Variant Classification Sherloc (09022015). Collection method: clinical testing. Allele origin: germline.
Comment: This sequence change falls in intron 5 of the COLQ gene. It does not directly change the encoded amino acid sequence of the COLQ protein. It affects a nucleotide within the consensus splice site. This variant is present in population databases (no rsID available, gnomAD 0.01%). This variant has been observed in individual(s) with congenital myasthenic syndrome (PMID: 40704522). ClinVar contains an entry for this variant (Variation ID: 573561). Variants that disrupt the consensus splice site are a relatively common cause of aberrant splicing (PMID: 17576681, 9536098). Algorithms developed to predict the effect of sequence changes on RNA splicing suggest that this variant may disrupt the consensus splice site. In summary, the available evidence is currently insufficient to determine the role of this variant in disease. Therefore, it has been classified as a Variant of Uncertain Significance.

Women's Health and Genetics/Laboratory Corporation of America, LabCorp
Classification: Uncertain significance. Last evaluated: 2024-03-28. Review status: criteria provided, single submitter. Criteria: LabCorp Variant Classification Summary - May 2015. Collection method: clinical testing. Allele origin: germline.

GeneDx
Classification: Uncertain significance. Last evaluated: 2022-09-28. Review status: criteria provided, single submitter. Criteria: GeneDx Variant Classification Process June 2021. Collection method: clinical testing. Allele origin: germline. Affected: yes.
Comment: Observed in 0.0032% (1/31394 alleles) in large population cohorts, and no individuals are reported to be homozygous (gnomAD); In silico analysis supports a deleterious effect on splicing; Has not been previously published as pathogenic or benign to our knowledge

Literature cited by the submitters: PubMed 40704522 (cited by Labcorp Genetics (formerly Invitae), Labcorp); PubMed 17576681 (cited by Labcorp Genetics (formerly Invitae), Labcorp); PubMed 9536098 (cited by Labcorp Genetics (formerly Invitae), Labcorp).

NM_005677.4(COLQ):c.393+3A>G

Gene: COLQ (collagen like tail subunit of asymmetric acetylcholinesterase; minus strand). Cytogenetic location: 3p25.1.
Variant type: single nucleotide variant.
Coding change: c.393+3A>G on transcript NM_005677.4 (MANE Select); 3 bases into the intron after coding-DNA position 393, A replaced by G.
Molecular consequence: intron variant.
Genome position (GRCh38, 1-based): chr3:15,478,974, T>C on the plus strand (A>G on the coding strand, the complement: COLQ is on the minus strand). VCF-style: chr3-15478974-T-C. GRCh37 (hg19) VCF-style: chr3-15520481-T-C.
Other names: c.291+3A>G (NM_080539.4); c.363+3A>G (NM_080538.2).
Identifiers: ClinVar variation 573561 (VCV000573561.11), dbSNP rs1248479113, ClinGen allele CA541362028.